The following is an entry in ClinVar:

NM_000051.4(ATM):c.7230T>A (p.Phe2410Leu)

Genes: ATM (ATM serine/threonine kinase; plus strand), C11orf65 (chromosome 11 open reading frame 65; minus strand). Cytogenetic location: 11q22.3.
Variant type: single nucleotide variant.
Coding change: c.7230T>A on transcript NM_000051.4 (MANE Select); coding-DNA position 7230, T replaced by A.
Protein change: p.Phe2410Leu; replaces phenylalanine 2410 with leucine.
Molecular consequence: missense variant. On other transcripts: intron variant (2).
Genome position (GRCh38, 1-based): chr11:108,329,161, T>A. VCF-style: chr11-108329161-T-A. GRCh37 (hg19) VCF-style: chr11-108199888-T-A.
Other names: c.7230T>A, p.Phe2410Leu (NM_001351834.2); c.641-20090A>T (NM_001330368.2); c.*38+6059A>T (NM_001351110.2); short protein forms F2410L.
Identifiers: ClinVar variation 925975 (VCV000925975.5), dbSNP rs1565527030, ClinGen allele CA382559680.

ClinVar aggregate classification (germline): Uncertain significance (1 of 4 stars; one submission).

Conditions:
Hereditary cancer-predisposing syndrome. Also called: Tumor predisposition; Neoplastic Syndromes, Hereditary; Hereditary neoplastic syndrome; Hereditary Cancer Syndrome. Identifiers: Orphanet 140162, MedGen C0027672, MeSH D009386, MONDO:0015356.

Submission:

Color Diagnostics, LLC DBA Color Health
Classification: Uncertain significance for Hereditary cancer-predisposing syndrome. Last evaluated: 2019-08-01. Review status: criteria provided, single submitter. Criteria: ACMG Guidelines, 2015. Collection method: clinical testing. Allele origin: germline.
Comment: This missense variant replaces phenylalanine with leucine at codon 2410 of the ATM protein. Computational prediction tools and conservation analyses suggest that this variant may have deleterious impact on the protein function. Computational splicing tools suggest that this variant may not impact RNA splicing. To our knowledge, functional assays have not been performed for this variant nor has this variant been reported in individuals affected with hereditary cancer in the literature. This variant has not been identified in the general population by the Genome Aggregation Database (gnomAD). Available evidence is insufficient to determine the role of this variant in disease conclusively. Therefore, this variant is classified as a Variant of Uncertain Significance.